The following is an entry in ClinVar:

ClinVar aggregate classification (germline): Uncertain significance (1 of 4 stars; one submission).

Allele frequency attached by ClinVar (database versions not stated): ExAC 0.00001; gnomAD 0.00001; gnomAD exomes 0.00001 and 0.00002; TOPMed 0.00001.
gnomAD v4.1: 8 of 1,613,968 alleles (0.0005%); highest among the groups gnomAD compares: Admixed American, 0.012%; no homozygotes.

Submission:

GeneDx
Classification: Uncertain significance. Last evaluated: 2016-12-07. Review status: criteria provided, single submitter. Criteria: GeneDx Variant Classification (06012015). Collection method: clinical testing. Allele origin: germline. Affected: yes.
Comment: The G90R variant in the PNP gene has not been published as a pathogenic variant, nor has it been reported as a benign variant to our knowledge. The variant was not observed in approximately 6,500 individuals of European and African American ancestry in the NHLBI Exome Sequencing Project, indicating it is not a common benign variant in these populations. G90R is a non-conservative amino acid substitution, which is likely to impact secondary protein structure as these residues differ in polarity, charge, size and/or other properties. This substitution occurs at a position that is conserved across species, and in silico analysis predicts this variant is probably damaging to the protein structure/function. Additionally, several in-silico splice prediction models predict that G90R creates a cryptic donor site which may supplant the natural donor site and lead to abnormal gene splicing. However, in the absence of RNA/functional studies, the actual effect of this sequence change is unknown. Therefore, based on the currently available information, it is unclear whether this variant is a pathogenic variant or a rare benign variant.

NM_000270.4(PNP):c.268G>A (p.Gly90Arg)

Gene: PNP (purine nucleoside phosphorylase; plus strand). Cytogenetic location: 14q11.2.
Variant type: single nucleotide variant.
Coding change: c.268G>A on transcript NM_000270.4 (MANE Select); coding-DNA position 268, G replaced by A.
Protein change: p.Gly90Arg; replaces glycine 90 with arginine.
Molecular consequence: missense variant.
Genome position (GRCh38, 1-based): chr14:20,474,558, G>A. VCF-style: chr14-20474558-G-A. GRCh37 (hg19) VCF-style: chr14-20942717-G-A.
Other names: short protein forms G90R.
Identifiers: ClinVar variation 373674 (VCV000373674.1), dbSNP rs775945427, ClinGen allele CA7082058.
Genomic context (GRCh38, chr14:20,474,558, plus strand): 5'-TTTGGGTTCCTGAATGGCAGGGCCTGTGTGATGATGCAGGGCAGGTTCCACATGTATGAA[G>A]GGTACCCACTCTGGAAGGTAAGTCAGAGGGATAGGTCCGGTTGGATCTGGAAGAGGCAGG-3'
Protein context (NP_000261.2, residues 80-100): MMQGRFHMYE[Gly90Arg]YPLWKVTFPV